The following is an entry in ClinVar:

NM_006766.5(KAT6A):c.1369C>G (p.Gln457Glu)

Gene: KAT6A (lysine acetyltransferase 6A; minus strand). Cytogenetic location: 8p11.21.
Variant type: single nucleotide variant.
Coding change: c.1369C>G on transcript NM_006766.5 (MANE Select); coding-DNA position 1369, C replaced by G.
Protein change: p.Gln457Glu; replaces glutamine 457 with glutamic acid.
Molecular consequence: missense variant.
Genome position (GRCh38, 1-based): chr8:41,974,817, G>C on the plus strand (C>G on the coding strand, the complement: KAT6A is on the minus strand). VCF-style: chr8-41974817-G-C. GRCh37 (hg19) VCF-style: chr8-41832335-G-C.
Other names: c.1369C>G, p.Gln457Glu (NM_001305878.2); short protein forms Q457E.
Identifiers: ClinVar variation 1353398 (VCV001353398.6), dbSNP rs2150884989, ClinGen allele CA371075506.

ClinVar aggregate classification (germline): Uncertain significance (1 of 4 stars; one submission).

Submission:

Labcorp Genetics (formerly Invitae), Labcorp
Classification: Uncertain significance. Last evaluated: 2024-02-24. Review status: criteria provided, single submitter. Criteria: Invitae Variant Classification Sherloc (09022015). Collection method: clinical testing. Allele origin: germline.
Comment: This sequence change replaces glutamine, which is neutral and polar, with glutamic acid, which is acidic and polar, at codon 457 of the KAT6A protein (p.Gln457Glu). This variant is not present in population databases (gnomAD no frequency). This variant has not been reported in the literature in individuals affected with KAT6A-related conditions. ClinVar contains an entry for this variant (Variation ID: 1353398). An algorithm developed to predict the effect of missense changes on protein structure and function (PolyPhen-2) suggests that this variant is likely to be tolerated. In summary, the available evidence is currently insufficient to determine the role of this variant in disease. Therefore, it has been classified as a Variant of Uncertain Significance.